The following is an entry in ClinVar:

ClinVar aggregate classification (germline): Uncertain significance (1 of 4 stars; one submission).

Conditions:
Hereditary cancer-predisposing syndrome. Also called: Tumor predisposition; Neoplastic Syndromes, Hereditary; Hereditary neoplastic syndrome; Hereditary Cancer Syndrome. Identifiers: Orphanet 140162, MedGen C0027672, MeSH D009386, MONDO:0015356.

Submission:

Ambry Genetics
Classification: Uncertain significance for Hereditary cancer-predisposing syndrome. Last evaluated: 2024-10-23. Review status: criteria provided, single submitter. Criteria: Ambry Variant Classification Scheme 2023. Collection method: clinical testing. Allele origin: germline.
Comment: The p.N194K variant (also known as c.582C>G), located in coding exon 3 of the TMEM127 gene, results from a C to G substitution at nucleotide position 582. The asparagine at codon 194 is replaced by lysine, an amino acid with similar properties. This amino acid position is conserved. In addition, the in silico prediction for this alteration is inconclusive. Based on the available evidence, the clinical significance of this variant remains unclear.

NM_017849.4(TMEM127):c.582C>G (p.Asn194Lys)

Gene: TMEM127 (transmembrane protein 127; minus strand). Cytogenetic location: 2q11.2.
Variant type: single nucleotide variant.
Coding change: c.582C>G on transcript NM_017849.4 (MANE Select); coding-DNA position 582, C replaced by G.
Protein change: p.Asn194Lys; replaces asparagine 194 with lysine.
Molecular consequence: missense variant.
Genome position (GRCh38, 1-based): chr2:96,253,943, G>C on the plus strand (C>G on the coding strand, the complement: TMEM127 is on the minus strand). VCF-style: chr2-96253943-G-C. GRCh37 (hg19) VCF-style: chr2-96919681-G-C.
Other names: c.582C>G, p.Asn194Lys (NM_001193304.3); c.330C>G, p.Asn110Lys (NM_001407282.1, NM_001407283.1); short protein forms N110K, N194K.
Identifiers: ClinVar variation 3457612 (VCV003457612.1).
Genomic context (GRCh38, chr2:96,253,943, plus strand): 5'-CATCTCTGAGAGCAGCTCCAGCGCCTGCTCCTCTTCCTCTGTGGGGTAGTGGCGCAGGAG[G>C]TTGGCTGCCGTGGCCAGGATTGAGGCTCCACCAGCTCCTGCCACCAGGTAGAAGCTAACG-3'
Protein context (NP_060319.1, residues 184-204): GGASILATAA[Asn194Lys]LLRHYPTEEE